The following is an entry in ClinVar:

ClinVar aggregate classification (germline): Uncertain significance. Review status: criteria provided, multiple submitters, no conflicts (2 of 4 stars). 3 submissions from 3 submitters: Uncertain significance (3). Last evaluated 2025-08-05.

Conditions:
Tumor predisposition syndrome 3 (TPDS3). Also called: Melanoma, cutaneous malignant, susceptibility to, 10; LONG TELOMERE SYNDROME, POT1-RELATED; POT1 Tumor Predisposition; Glioma susceptibility 9. Identifiers: Orphanet 618, MedGen C4014476, MONDO:0014368, OMIM 615848.
Hereditary cancer-predisposing syndrome. Also called: Tumor predisposition; Neoplastic Syndromes, Hereditary; Hereditary Cancer Syndrome; Hereditary neoplastic syndrome. Identifiers: Orphanet 140162, MedGen C0027672, MeSH D009386, MONDO:0015356.

Submissions (3):

Labcorp Genetics (formerly Invitae), Labcorp
Classification: Uncertain significance for Tumor predisposition syndrome 3. Last evaluated: 2025-08-05. Review status: criteria provided, single submitter. Criteria: Invitae Variant Classification Sherloc (09022015). Collection method: clinical testing. Allele origin: germline.
Comment: This sequence change replaces isoleucine, which is neutral and non-polar, with valine, which is neutral and non-polar, at codon 351 of the POT1 protein (p.Ile351Val). This variant is not present in population databases (gnomAD no frequency). This variant has not been reported in the literature in individuals affected with POT1-related conditions. ClinVar contains an entry for this variant (Variation ID: 1466908). Invitae Evidence Modeling of protein sequence and biophysical properties (such as structural, functional, and spatial information, amino acid conservation, physicochemical variation, residue mobility, and thermodynamic stability) indicates that this missense variant is not expected to disrupt POT1 protein function with a negative predictive value of 80%. In summary, the available evidence is currently insufficient to determine the role of this variant in disease. Therefore, it has been classified as a Variant of Uncertain Significance.

Ambry Genetics
Classification: Uncertain significance for Hereditary cancer-predisposing syndrome. Last evaluated: 2025-04-21. Review status: criteria provided, single submitter. Criteria: Ambry Variant Classification Scheme 2023. Collection method: clinical testing. Allele origin: germline.
Comment: The p.I351V variant (also known as c.1051A>G), located in coding exon 9 of the POT1 gene, results from an A to G substitution at nucleotide position 1051. The isoleucine at codon 351 is replaced by valine, an amino acid with highly similar properties. This amino acid position is conserved. In addition, this alteration is predicted to be tolerated by in silico analysis. Based on the available evidence, the clinical significance of this variant remains unclear.

GeneDx
Classification: Uncertain significance. Last evaluated: 2022-03-31. Review status: criteria provided, single submitter. Criteria: GeneDx Variant Classification Process June 2021. Collection method: clinical testing. Allele origin: germline. Affected: yes.
Comment: Not observed at significant frequency in large population cohorts (gnomAD); In silico analysis supports that this missense variant does not alter protein structure/function; Has not been previously published as pathogenic or benign to our knowledge; This variant is associated with the following publications: (PMID: 28393830)

NM_015450.3(POT1):c.1051A>G (p.Ile351Val)

Gene: POT1 (protection of telomeres 1; minus strand). Cytogenetic location: 7q31.33.
Variant type: single nucleotide variant.
Coding change: c.1051A>G on transcript NM_015450.3 (MANE Select); coding-DNA position 1051, A replaced by G.
Protein change: p.Ile351Val; replaces isoleucine 351 with valine.
Molecular consequence: missense variant. On other transcripts: non-coding transcript variant (3).
Genome position (GRCh38, 1-based): chr7:124,842,919, T>C on the plus strand (A>G on the coding strand, the complement: POT1 is on the minus strand). VCF-style: chr7-124842919-T-C. GRCh37 (hg19) VCF-style: chr7-124482973-T-C.
Other names: c.658A>G, p.Ile220Val (NM_001042594.2); short protein forms I220V, I351V.
Identifiers: ClinVar variation 1466908 (VCV001466908.10), dbSNP rs2116468129, ClinGen allele CA369068510.